The following is an entry in ClinVar:

ClinVar aggregate classification (germline): Likely pathogenic. Review status: criteria provided, multiple submitters, no conflicts (2 of 4 stars). 2 submissions from 2 submitters: Likely pathogenic (2). Last evaluated 2023-03-02.

Conditions:
Hereditary cancer-predisposing syndrome. Also called: Neoplastic Syndromes, Hereditary; Hereditary Cancer Syndrome; Tumor predisposition; Hereditary neoplastic syndrome. Identifiers: Orphanet 140162, MedGen C0027672, MeSH D009386, MONDO:0015356.

Submissions (2):

Ambry Genetics
Classification: Likely pathogenic for Hereditary cancer-predisposing syndrome. Last evaluated: 2023-03-02. Review status: criteria provided, single submitter. Criteria: Ambry Variant Classification Scheme 2023. Collection method: clinical testing. Allele origin: germline.
Comment: The p.Y2080D variant (also known as c.6238T>G), located in coding exon 42 of the ATM gene, results from a T to G substitution at nucleotide position 6238. The tyrosine at codon 2080 is replaced by aspartic acid, an amino acid with highly dissimilar properties. This variant has been detected as compound heterozygous with other ATM variants in patients with ataxia-telangiectasia (A-T) (Carranza D et al. Neuromolecular Med, 2017 Mar;19:161-174; Ambry internal data). This variant is considered to be rare based on population cohorts in the Genome Aggregation Database (gnomAD). This amino acid position is highly conserved in available vertebrate species. In addition, the in silico prediction for this alteration is inconclusive. Based on the majority of available evidence to date, this variant is likely to be pathogenic.

GeneDx
Classification: Likely pathogenic. Last evaluated: 2016-09-12. Review status: criteria provided, single submitter. Criteria: GeneDx Variant Classification (06012015). Collection method: clinical testing. Allele origin: germline. Affected: yes.
Comment: This variant is denoted ATM c.6238T>G at the cDNA level, p.Tyr2080Asp (Y2080D) at the protein level, and results in the change of a Tyrosine to an Aspartic Acid (TAT>GAT). This variant has not, to our knowledge, been published in the literature as pathogenic or benign. ATM Tyr2080Asp was not observed in approximately 6,500 individuals of European and African American ancestry in the NHLBI Exome Sequencing Project, suggesting it is not a common benign variant in these populations. Since Tyrosine and Aspartic Acid differ in polarity, charge, size or other properties, this is considered a non-conservative amino acid substitution. ATM Tyr2080Asp occurs at a position that is conserved across species and is located in the FAT domain (Stracker 2013, UniProt). In silico analyses predict that this variant is probably damaging to protein structure and function. Based on currently available evidence and internal data, we consider this variant to be likely pathogenic.

Literature cited by the submitters: PubMed 27664052 (cited by Ambry Genetics).

NM_000051.4(ATM):c.6238T>G (p.Tyr2080Asp)

Genes: ATM (ATM serine/threonine kinase; plus strand), C11orf65 (chromosome 11 open reading frame 65; minus strand). Cytogenetic location: 11q22.3.
Variant type: single nucleotide variant.
Coding change: c.6238T>G on transcript NM_000051.4 (MANE Select); coding-DNA position 6238, T replaced by G.
Protein change: p.Tyr2080Asp; replaces tyrosine 2080 with aspartic acid.
Molecular consequence: missense variant. On other transcripts: intron variant (2).
Genome position (GRCh38, 1-based): chr11:108,317,412, T>G. VCF-style: chr11-108317412-T-G. GRCh37 (hg19) VCF-style: chr11-108188139-T-G.
Other names: c.6238T>G, p.Tyr2080Asp (NM_001351834.2); c.641-8341A>C (NM_001330368.2); c.*39-8341A>C (NM_001351110.2); short protein forms Y2080D.
Identifiers: ClinVar variation 421954 (VCV000421954.6), dbSNP rs1064795467, ClinGen allele CA16619210.
Genomic context (GRCh38, chr11:108,317,412, plus strand): 5'-AACAAAATAACTCCTGTTTAGGCCTTGCAGAATTTGGGACTCTGCCATATTCTTTCCGTC[T>G]ATTTAAAAGGATTGGATTATGAAAATAAAGACTGGTGTCCTGAACTAGAAGAACTTCATT-3'
Protein context (NP_000042.3, residues 2070-2090): NLGLCHILSV[Tyr2080Asp]LKGLDYENKD